The following is an entry in ClinVar:

NM_002547.3(OPHN1):c.154+1G>T

Gene: OPHN1 (oligophrenin 1; minus strand). Cytogenetic location: Xq12.
Variant type: single nucleotide variant.
Coding change: c.154+1G>T on transcript NM_002547.3 (MANE Select); the canonical splice donor site of the intron after coding-DNA position 154, G replaced by T.
Molecular consequence: splice donor variant.
Genome position (GRCh38, 1-based): chrX:68,432,866, C>A on the plus strand (G>T on the coding strand, the complement: OPHN1 is on the minus strand). VCF-style: chrX-68432866-C-A. GRCh37 (hg19) VCF-style: chrX-67652708-C-A.
Other names: c.154+1G>T (NM_001437258.1).
Identifiers: ClinVar variation 4890773 (VCV004890773.1).

ClinVar aggregate classification (germline): Likely pathogenic (1 of 4 stars; one submission).

Conditions:
Intellectual developmental disorder, X-linked, syndromic, Billuart type. Also called: MENTAL RETARDATION, X-LINKED 60; X-linked intellectual disability-cerebellar hypoplasia syndrome. Identifiers: Orphanet 137831, MedGen C1845366, MONDO:0010337, OMIM 300486.

Submission:

Solve-RD Consortium
Classification: Likely pathogenic for Intellectual developmental disorder, X-linked, syndromic, Billuart type. Review status: criteria provided, single submitter. Criteria: ACMG Guidelines, 2015. Collection method: provider interpretation. Allele origin: germline. Inheritance: Autosomal dominant inheritance. Affected: yes. Study: Solve-RD DIFT-EpiCARE reanalysis.
Comment: PVS1, PM2

Variant identified during reanalysis of unsolved cases by the Solve-RD project. The Solve-RD project has received funding from the European Union’s Horizon 2020 research and innovation programme under grant agreement No 779257.